The following is an entry in ClinVar:

NM_018043.7(ANO1):c.2571C>T (p.Tyr857=)

Gene: ANO1 (anoctamin 1; plus strand). Cytogenetic location: 11q13.3.
Variant type: single nucleotide variant.
Coding change: c.2571C>T on transcript NM_018043.7 (MANE Select); coding-DNA position 2571, C replaced by T.
Protein change: p.Tyr857=; no amino-acid change (tyrosine 857 retained).
Molecular consequence: synonymous variant. On other transcripts: non-coding transcript variant (1).
Genome position (GRCh38, 1-based): chr11:70,182,669, C>T. VCF-style: chr11-70182669-C-T. GRCh37 (hg19) VCF-style: chr11-70028775-C-T.
Other names: c.2760C>T, p.Tyr920= (NM_001378092.1); c.2559C>T, p.Tyr853= (NM_001378093.1, NM_001378094.2, NM_001378095.2); c.2481C>T, p.Tyr827= (NM_001378096.2); c.2394C>T, p.Tyr798= (NM_001378097.2).
Identifiers: ClinVar variation 5041047 (VCV005041047.1).
Genomic context (GRCh38, chr11:70,182,669, plus strand): 5'-CTTCAACGTCAGTGACTTCCAGAACGGCACGGCCCCCAATGACCCCCTGGACCTGGGCTA[C>T]GAGGTGCAGATCTGCAGGTACTGCTCTCTGCTCCCCTCTTTGAAAAGCCACGTTTATTGG-3'
Protein context (NP_060513.5, residues 847-867): TAPNDPLDLG[Tyr857=]EVQICRYKDY

ClinVar aggregate classification (germline): Likely benign (1 of 4 stars; one submission).

gnomAD v4.1: 20 of 1,600,674 alleles (0.0012%); highest among the groups gnomAD compares: African/African-American, 0.011%; no homozygotes.

Submission:

CeGaT Center for Human Genetics Tuebingen
Classification: Likely benign. Last evaluated: 2026-09-01. Review status: criteria provided, single submitter. Criteria: CeGaT Center For Human Genetics Tuebingen Variant Classification Criteria Version 2. Collection method: clinical testing. Allele origin: germline. Affected: yes. Observed: 1 variant allele.
Comment: ANO1: BP4, BP7